The following is an entry in ClinVar:

NM_001366521.1(ATP2B1):c.1809A>G (p.Ala603=)

Gene: ATP2B1 (ATPase plasma membrane Ca2+ transporting 1; minus strand). Cytogenetic location: 12q21.33.
Variant type: single nucleotide variant.
Coding change: c.1809A>G on transcript NM_001366521.1 (MANE Select); coding-DNA position 1809, A replaced by G.
Protein change: p.Ala603=; no amino-acid change (alanine 603 retained).
Molecular consequence: synonymous variant. On other transcripts: non-coding transcript variant (3).
Genome position (GRCh38, 1-based): chr12:89,620,019, T>C on the plus strand (A>G on the coding strand, the complement: ATP2B1 is on the minus strand). VCF-style: chr12-89620019-T-C. GRCh37 (hg19) VCF-style: chr12-90013796-T-C.
Other names: c.1809A>G, p.Ala603= (NM_001001323.2, NM_001366520.1, NM_001366522.1 and 12 more transcripts); c.1611A>G, p.Ala537= (NM_001366530.1, NM_001413053.1); c.1248A>G, p.Ala416= (NM_001366531.1, NM_001366532.1, NM_001413058.1 and 2 more transcripts); c.1770A>G, p.Ala590= (NM_001413048.1); c.1668A>G, p.Ala556= (NM_001413051.1, NM_001413052.1, NM_001413055.1); c.1566A>G, p.Ala522= (NM_001413054.1); c.1554A>G, p.Ala518= (NM_001413056.1); c.1356A>G, p.Ala452= (NM_001413057.1).
Identifiers: ClinVar variation 3805766 (VCV003805766.1).
Genomic context (GRCh38, chr12:89,620,019, plus strand): 5'-TATAGTCAGCAATTTATTCATCCAAGCATTTTACTCTTACTTTTTCAGAATTATCTCAGA[T>C]GCACCCTTGCTGAATATTCGATAACTTCCATCTGAATTTTTCAGGACAGTACTCATGGAC-3'
Protein context (NP_001353450.1, residues 593-613): DGSYRIFSKG[Ala603=]SEIILKKCFK

ClinVar aggregate classification (germline): Uncertain significance (1 of 4 stars; one submission).

Conditions:
Inborn genetic diseases. Identifiers: MedGen C0950123, MeSH D030342.

gnomAD v4.1: 1 of 1,614,040 alleles (0.000062%); highest among the groups gnomAD compares: Non-Finnish European, 0.000085%; no homozygotes.

Submission:

Ambry Genetics
Classification: Uncertain significance for Inborn genetic diseases. Last evaluated: 2025-02-11. Review status: criteria provided, single submitter. Criteria: Ambry Variant Classification Scheme 2023. Collection method: clinical testing. Allele origin: germline.
Comment: The c.1809A>G (p.A603A) alteration is located in exon 10 (coding exon 10) of the ATP2B1 gene. This alteration consists of an A to G substitution at nucleotide position 1809. This nucleotide substitution does not change the amino acid at codon 603. This variant was not reported in population-based cohorts in the Genome Aggregation Database (gnomAD). This nucleotide position is not well conserved in available vertebrate species. In silico splice site analysis predicts that this alteration will result in the creation or strengthening of a novel splice donor site. Based on insufficient or conflicting evidence, the clinical significance of this alteration remains unclear.